The following is an entry in ClinVar:

NM_001128205.2(SULF1):c.599T>G (p.Ile200Ser)

Gene: SULF1 (sulfatase 1; plus strand). Cytogenetic location: 8q13.2.
Variant type: single nucleotide variant.
Coding change: c.599T>G on transcript NM_001128205.2 (MANE Select); coding-DNA position 599, T replaced by G.
Protein change: p.Ile200Ser; replaces isoleucine 200 with serine.
Molecular consequence: missense variant. On other transcripts: non-coding transcript variant (2).
Genome position (GRCh38, 1-based): chr8:69,589,006, T>G. VCF-style: chr8-69589006-T-G. GRCh37 (hg19) VCF-style: chr8-70501241-T-G.
Other names: c.599T>G, p.Ile200Ser (NM_001128204.2, NM_001128206.2, NM_001412828.1 and 19 more transcripts); c.413T>G, p.Ile138Ser (NM_001412841.1, NM_001412842.1); short protein forms I138S, I200S.
Identifiers: ClinVar variation 2130833 (VCV002130833.4), dbSNP rs1273092836, ClinGen allele CA371225507.
Genomic context (GRCh38, chr8:69,589,006, plus strand): 5'-TGTTTTGTGTCAAATGTATGTTTCAGGACTACTTCACAGACTTAATCACTAACGAGAGCA[T>G]TAATTACTTCAAAATGTCTAAGAGAATGTATCCCCATAGGCCCGTTATGATGGTGATCAG-3'
Protein context (NP_001121677.1, residues 190-210): YFTDLITNES[Ile200Ser]NYFKMSKRMY

ClinVar aggregate classification (germline): Uncertain significance (1 of 4 stars; one submission).

Allele frequency attached by ClinVar (database versions not stated): gnomAD exomes 0.00001.
gnomAD v4.1: 9 of 1,614,136 alleles (0.00056%); highest among the groups gnomAD compares: Non-Finnish European, 0.00076%; no homozygotes.

Submission:

Labcorp Genetics (formerly Invitae), Labcorp
Classification: Uncertain significance. Last evaluated: 2022-05-12. Review status: criteria provided, single submitter. Criteria: Invitae Variant Classification Sherloc (09022015). Collection method: clinical testing. Allele origin: germline.
Comment: This sequence change replaces isoleucine, which is neutral and non-polar, with serine, which is neutral and polar, at codon 200 of the SULF1 protein (p.Ile200Ser). This variant is present in population databases (no rsID available, gnomAD 0.0009%). This variant has not been reported in the literature in individuals affected with SULF1-related conditions. Algorithms developed to predict the effect of missense changes on protein structure and function (SIFT, PolyPhen-2, Align-GVGD) all suggest that this variant is likely to be disruptive. In summary, the available evidence is currently insufficient to determine the role of this variant in disease. Therefore, it has been classified as a Variant of Uncertain Significance.